The following is an entry in ClinVar:

NM_006031.6(PCNT):c.6151-9C>T

Gene: PCNT (pericentrin; plus strand). Cytogenetic location: 21q22.3.
Variant type: single nucleotide variant.
Coding change: c.6151-9C>T on transcript NM_006031.6 (MANE Select); 9 bases into the intron before coding-DNA position 6151, C replaced by T.
Molecular consequence: intron variant.
Genome position (GRCh38, 1-based): chr21:46,416,060, C>T. VCF-style: chr21-46416060-C-T. GRCh37 (hg19) VCF-style: chr21-47835974-C-T.
Other names: c.5797-9C>T (NM_001315529.2).
Identifiers: ClinVar variation 791667 (VCV000791667.23), dbSNP rs200571944, ClinGen allele CA10080264.
Genomic context (GRCh38, chr21:46,416,060, plus strand): 5'-AACACCAGACAGGTGCGACTCCTGGTGAGCCAGGTATTCCACCGTGCACCTGTTCTGTTT[C>T]ACCTGCAGGGTAAAGAAAAAGTACTGGAAGATTGTCAGCTGCCGAAGGTCGATCTCGTAG-3'

ClinVar aggregate classification (germline): Conflicting classifications of pathogenicity. Review status: criteria provided, conflicting classifications (1 of 4 stars). 5 submissions from 5 submitters: Uncertain significance (1); Likely benign (3). 1 of the submissions does not count toward it. Last evaluated 2026-01-20.

Conditions:
PCNT-related disorder. Also called: PCNT-related condition.
Microcephalic osteodysplastic primordial dwarfism type II (MOPD2). Also called: MOPD II; OSTEODYSPLASTIC PRIMORDIAL DWARFISM, TYPE II; Microcephalic osteodysplastic primordial dwarfism with tooth abnormalities. Identifiers: Orphanet 2637, MedGen C0432246, MONDO:0008872, OMIM 210720.

Allele frequency attached by ClinVar (database versions not stated): ESP Exome Variant Server 0.00046; gnomAD exomes 0.00046 and 0.00077; ExAC 0.00047; gnomAD 0.00056 and 0.00059; TOPMed 0.00056.
gnomAD v4.1: 1,214 of 1,613,914 alleles (0.075%); highest among the groups gnomAD compares: Non-Finnish European, 0.093%; 1 homozygote.

Submissions (5):

Labcorp Genetics (formerly Invitae), Labcorp
Classification: Likely benign. Last evaluated: 2026-01-20. Review status: criteria provided, single submitter. Criteria: Invitae Variant Classification Sherloc (09022015). Collection method: clinical testing. Allele origin: germline.

Blueprint Genetics
Classification: Likely benign. Last evaluated: 2024-09-18. Review status: criteria provided, single submitter. Criteria: ACMG Guidelines, 2015. Collection method: clinical testing. Allele origin: germline.

ARUP Laboratories, Molecular Genetics and Genomics, ARUP Laboratories
Classification: Likely benign for Microcephalic osteodysplastic primordial dwarfism type II. Last evaluated: 2019-09-25. Review status: criteria provided, single submitter. Criteria: ARUP Molecular Germline Variant Investigation Process. Collection method: clinical testing. Allele origin: germline.

Genetic Services Laboratory, University of Chicago
Classification: Uncertain significance. Last evaluated: 2019-04-16. Review status: criteria provided, single submitter. Criteria: ACMG Guidelines, 2015. Collection method: clinical testing. Allele origin: germline. Affected: no.

PreventionGenetics, part of Exact Sciences
Classification: Likely benign for PCNT-related condition. Last evaluated: 2021-05-19. Review status: no assertion criteria provided. Collection method: clinical testing. Allele origin: germline. Not counted in ClinVar's aggregate classification.
Comment: This variant is classified as likely benign based on ACMG/AMP sequence variant interpretation guidelines (Richards et al. 2015 PMID: 25741868, with internal and published modifications).